The following is an entry in ClinVar:

NM_000088.4(COL1A1):c.3285dup (p.Lys1096fs)

Gene: COL1A1 (collagen type I alpha 1 chain; minus strand). Cytogenetic location: 17q21.33.
Variant type: Duplication.
Coding change: c.3285dup on transcript NM_000088.4 (MANE Select); coding-DNA position 3285, one base duplicated (C; older notation c.3285dupC).
Protein change: p.Lys1096fs; shifts the reading frame from lysine 1096.
Molecular consequence: frameshift variant.
Genome position (GRCh38, 1-based): chr17:50,187,960, G duplicated on the plus strand (C on the coding strand, the reverse complement: COL1A1 is on the minus strand). VCF-style (leftmost placement, unchanged base first): chr17-50187959-T-TG. GRCh37 (hg19) VCF-style: chr17-48265320-T-TG.
Other names: c.3285dupC (NM_000088.3); short protein forms K1096fs.
Identifiers: ClinVar variation 456766 (VCV000456766.9), dbSNP rs1555572120, ClinGen allele CA658656701.

ClinVar aggregate classification (germline): Pathogenic (1 of 4 stars; one submission).

Conditions:
Osteogenesis imperfecta type I (OI1). Also called: OI, TYPE I; OSTEOGENESIS IMPERFECTA TARDA; OSTEOGENESIS IMPERFECTA WITH BLUE SCLERAE; Osteogenesis imperfecta type 1; Lobstein's Disease; Lobstein disease. Identifiers: Orphanet 216796, Orphanet 666, MedGen C0023931, MONDO:0008146, OMIM 166200. Disease mechanism: loss of function.

Submission:

Labcorp Genetics (formerly Invitae), Labcorp
Classification: Pathogenic for Osteogenesis imperfecta type I. Last evaluated: 2016-10-26. Review status: criteria provided, single submitter. Criteria: Invitae Variant Classification Sherloc (09022015). Collection method: clinical testing. Allele origin: germline.
Comment: For these reasons, this variant has been classified as Pathogenic. Loss-of-function variants in COL1A1 are known to be pathogenic. This particular variant has been reported in the literature in an individual affected with osteogenesis imperfecta type I (PMID: 7942841). Due to legacy nomenclature, this exon is also known as exon 46 in the literature. This sequence change inserts 1 nucleotide in exon 45 of the COL1A1 mRNA (c.3285dupC), causing a frameshift at codon 1096. This creates a premature translational stop signal (p.Lys1096Glnfs*3) and is expected to result in an absent or disrupted protein product.

Literature cited by the submitters: PubMed 7942841.